The following is an entry in ClinVar:

NM_005228.5(EGFR):c.3224G>A (p.Gly1075Asp)

Gene: EGFR (epidermal growth factor receptor; plus strand). Cytogenetic location: 7p11.2.
Variant type: single nucleotide variant.
Coding change: c.3224G>A on transcript NM_005228.5 (MANE Select); coding-DNA position 3224, G replaced by A.
Protein change: p.Gly1075Asp; replaces glycine 1075 with aspartic acid.
Molecular consequence: missense variant.
Genome position (GRCh38, 1-based): chr7:55,202,578, G>A. VCF-style: chr7-55202578-G-A. GRCh37 (hg19) VCF-style: chr7-55270271-G-A.
Other names: c.3089G>A, p.Gly1030Asp (NM_001346897.2, NM_001346899.2); c.3224G>A, p.Gly1075Asp (NM_001346898.2); c.3065G>A, p.Gly1022Asp (NM_001346900.2); c.2423G>A, p.Gly808Asp (NM_001346941.2); short protein forms G808D, G1030D, G1075D, G1022D.
Identifiers: ClinVar variation 960752 (VCV000960752.10), dbSNP rs1161834426, ClinGen allele CA367583387.

ClinVar aggregate classification (germline): Uncertain significance. Review status: criteria provided, multiple submitters, no conflicts (2 of 4 stars). 2 submissions from 2 submitters: Uncertain significance (2). Last evaluated 2025-01-25.

Conditions:
Hereditary cancer-predisposing syndrome. Also called: Tumor predisposition; Hereditary neoplastic syndrome; Neoplastic Syndromes, Hereditary; Hereditary Cancer Syndrome. Identifiers: Orphanet 140162, MedGen C0027672, MeSH D009386, MONDO:0015356.
EGFR-related lung cancer (EGFR). Identifiers: MedGen CN130014.

Allele frequency attached by ClinVar (database versions not stated): gnomAD exomes below 0.00001.
gnomAD v4.1: 1 of 1,613,524 alleles (0.000062%); highest among the groups gnomAD compares: South Asian, 0.0011%; no homozygotes.

Submissions (2):

Ambry Genetics
Classification: Uncertain significance for Hereditary cancer-predisposing syndrome. Last evaluated: 2025-01-25. Review status: criteria provided, single submitter. Criteria: Ambry Variant Classification Scheme 2023. Collection method: clinical testing. Allele origin: germline.
Comment: The p.G1075D variant (also known as c.3224G>A), located in coding exon 27 of the EGFR gene, results from a G to A substitution at nucleotide position 3224. The glycine at codon 1075 is replaced by aspartic acid, an amino acid with similar properties. This amino acid position is conserved. In addition, this alteration is predicted to be tolerated by in silico analysis. Based on the available evidence, the clinical significance of this variant remains unclear.

Labcorp Genetics (formerly Invitae), Labcorp
Classification: Uncertain significance for EGFR-related lung cancer. Last evaluated: 2023-12-21. Review status: criteria provided, single submitter. Criteria: Invitae Variant Classification Sherloc (09022015). Collection method: clinical testing. Allele origin: germline.
Comment: This sequence change replaces glycine, which is neutral and non-polar, with aspartic acid, which is acidic and polar, at codon 1075 of the EGFR protein (p.Gly1075Asp). The frequency data for this variant in the population databases is considered unreliable, as metrics indicate poor data quality at this position in the gnomAD database. This variant has not been reported in the literature in individuals affected with EGFR-related conditions. ClinVar contains an entry for this variant (Variation ID: 960752). An algorithm developed to predict the effect of missense changes on protein structure and function (PolyPhen-2) suggests that this variant is likely to be tolerated. In summary, the available evidence is currently insufficient to determine the role of this variant in disease. Therefore, it has been classified as a Variant of Uncertain Significance.